The following is an entry in ClinVar:

ClinVar aggregate classification (germline): Uncertain significance (1 of 4 stars; one submission).

Conditions:
Mulibrey nanism syndrome. Also called: MUSCLE-LIVER-BRAIN-EYE NANISM; PERHEENTUPA SYNDROME; PERICARDIAL CONSTRICTION AND GROWTH FAILURE. Identifiers: Orphanet 2576, MedGen C0524582, MONDO:0009664, OMIM 253250.

Submission:

St. Jude Molecular Pathology, St. Jude Children's Research Hospital
Classification: Uncertain significance for Mulibrey nanism syndrome. Last evaluated: 2026-10-01. Review status: criteria provided, single submitter. Criteria: St. Jude Assertion Criteria 2020. Collection method: clinical testing. Allele origin: germline.
Comment: The TRIM37 c.191T>A p.(Val64Glu) missense change is absent in gnomAD v2.1.1. The in silico tool REVEL is inconclusive about a pathogenic or benign effect of this variant on protein function, and to our knowledge functional studies have not been performed. To our knowledge, thi s variant has not been reported in individuals with Mulibrey nanism. In summary, the evidence currently available is insufficient to determine the clinical significance of this variant. It has therefore been classified as of uncertain significance.

NM_015294.6(TRIM37):c.191T>A (p.Val64Glu)

Gene: TRIM37 (tripartite motif containing 37; minus strand). Cytogenetic location: 17q22.
Variant type: single nucleotide variant.
Coding change: c.191T>A on transcript NM_015294.6 (MANE Select); coding-DNA position 191, T replaced by A.
Protein change: p.Val64Glu; replaces valine 64 with glutamic acid.
Molecular consequence: missense variant. On other transcripts: 5 prime UTR variant (3), non-coding transcript variant (2).
Genome position (GRCh38, 1-based): chr17:59,088,381, A>T on the plus strand (T>A on the coding strand, the complement: TRIM37 is on the minus strand). VCF-style: chr17-59088381-A-T. GRCh37 (hg19) VCF-style: chr17-57165742-A-T.
Other names: c.191T>A, p.Val64Glu (NM_001005207.5, NM_001320988.3, NM_001320989.3 and 2 more transcripts); c.89T>A, p.Val30Glu (NM_001320987.3, NM_001353082.2); c.-176T>A (NM_001320990.3); c.-562T>A (NM_001353083.2); c.-184T>A (NM_001353085.2); short protein forms V30E, V64E.
Identifiers: ClinVar variation 5038353 (VCV005038353.1).
Genomic context (GRCh38, chr17:59,088,381, plus strand): 5'-AGACTGCAGAGTTGAAGAGTATCAAGCTGTTGTGTTACTTCTTCTGCCCAACGACAATTT[A>T]CTAGTTCTCGTAGCTGGAGTGGAGCACTGGGGAGAAAATCCATACACATACACTAATTCA-3'
Protein context (NP_056109.1, residues 54-74): CRAPLQLREL[Val64Glu]NCRWAEEVTQ